The following is an entry in ClinVar:

ClinVar aggregate classification (germline): Benign. Review status: criteria provided, multiple submitters, no conflicts (2 of 4 stars). 8 submissions from 7 submitters: Benign (8). Last evaluated 2026-09-21.

Conditions:
Fibromuscular dysplasia, multifocal. Identifiers: MedGen C5543412, MONDO:0859151, OMIM 619329.
Ehlers-Danlos syndrome, classic type, 1 (EDSCL1). Also called: Ehlers-Danlos syndrome, type 1; EHLERS-DANLOS SYNDROME, GRAVIS TYPE; EHLERS-DANLOS SYNDROME, SEVERE CLASSIC TYPE; Ehlers-Danlos Syndrome, Classic Type, COL5A1-Related; EDS I. Identifiers: MedGen C0268335, MONDO:0019567, OMIM 130000.

Allele frequency attached by ClinVar (database versions not stated): gnomAD 0.65253 and 0.65077; 1000 Genomes Project 0.69169; TOPMed 0.65856; gnomAD exomes 0.57908 and 0.60366; ExAC 0.61135; ESP Exome Variant Server 0.65985; 1000 Genomes Project 30x 0.69363.
gnomAD v4.1: 944,182 of 1,609,636 alleles (59%); highest among the groups gnomAD compares: African/African-American, 84%; 281,966 homozygotes.

Submissions (8):

Molecular Diagnostic Laboratory for Inherited Cardiovascular Disease, Montreal Heart Institute
Classification: Benign. Last evaluated: 2026-09-21. Review status: criteria provided, single submitter. Criteria: ACMG Guidelines, 2015. Collection method: clinical testing. Allele origin: germline. Affected: no.
Comment: BA1

Blueprint Genetics
Classification: Benign. Last evaluated: 2024-11-27. Review status: criteria provided, single submitter. Criteria: ACMG Guidelines, 2015. Collection method: clinical testing. Allele origin: germline.

Genome-Nilou Lab
Classification: Benign for Ehlers-Danlos syndrome, classic type, 1. Last evaluated: 2021-07-30. Review status: criteria provided, single submitter. Criteria: ACMG Guidelines, 2015. Collection method: clinical testing. Allele origin: germline. Affected: no.

Genome-Nilou Lab
Classification: Benign for Fibromuscular dysplasia, multifocal. Last evaluated: 2021-07-30. Review status: criteria provided, single submitter. Criteria: ACMG Guidelines, 2015. Collection method: clinical testing. Allele origin: germline. Affected: no.

GeneDx
Classification: Benign. Last evaluated: 2018-06-14. Review status: criteria provided, single submitter. Criteria: GeneDx Variant Classification (06012015). Collection method: clinical testing. Allele origin: germline. Affected: yes.
Comment: This variant is considered likely benign or benign based on one or more of the following criteria: it is a conservative change, it occurs at a poorly conserved position in the protein, it is predicted to be benign by multiple in silico algorithms, and/or has population frequency not consistent with disease.

Mayo Clinic Laboratories, Mayo Clinic
Classification: Benign. Last evaluated: 2017-11-06. Review status: criteria provided, single submitter. Criteria: ACMG Guidelines, 2015. Collection method: clinical testing. Allele origin: germline. Observed: 4,419 variant alleles.

Breakthrough Genomics
Classification: Benign. Review status: criteria provided, single submitter. Criteria: ACMG Guidelines, 2015. Collection method: not provided. Allele origin: germline. Inheritance: Autosomal dominant inheritance. Affected: yes.

PreventionGenetics, part of Exact Sciences
Classification: Benign. Review status: criteria provided, single submitter. Criteria: ACMG Guidelines, 2015. Collection method: clinical testing. Allele origin: germline.

NM_000093.5(COL5A1):c.2701-22C>T

Gene: COL5A1 (collagen type V alpha 1 chain; plus strand). Cytogenetic location: 9q34.3.
Variant type: single nucleotide variant.
Coding change: c.2701-22C>T on transcript NM_000093.5 (MANE Select); 22 bases into the intron before coding-DNA position 2701, C replaced by T.
Molecular consequence: intron variant.
Genome position (GRCh38, 1-based): chr9:134,795,060, C>T. VCF-style: chr9-134795060-C-T. GRCh37 (hg19) VCF-style: chr9-137686906-C-T.
Other names: p.?; c.2701-22C>T (NM_001278074.1).
Identifiers: ClinVar variation 255069 (VCV000255069.9), dbSNP rs4072883, ClinGen allele CA5319545.
Genomic context (GRCh38, chr9:134,795,060, plus strand): 5'-CTCAATAACCCGGGAGACAGCTGCCACCTGAGCAGGGCCGGGCATTTAGAGAGTGACTGA[C>T]CAGCCCCTTCTCTGATTCTAGGGGACCCCTGGAAAGCCAGGACCGCGGGGGCAGCGAGGC-3'